The following is an entry in ClinVar:

ClinVar aggregate classification (germline): Benign/Likely benign. Review status: criteria provided, multiple submitters, no conflicts (2 of 4 stars). 4 submissions from 4 submitters: Benign (1); Likely benign (3). Last evaluated 2025-10-13.

Conditions:
Hereditary cancer-predisposing syndrome. Also called: Tumor predisposition; Neoplastic Syndromes, Hereditary; Hereditary Cancer Syndrome; Hereditary neoplastic syndrome. Identifiers: Orphanet 140162, MedGen C0027672, MeSH D009386, MONDO:0015356.
Hereditary diffuse gastric adenocarcinoma (HDGC). Also called: DIFFUSE GASTRIC AND LOBULAR BREAST CANCER SYNDROME. Identifiers: Orphanet 26106, MedGen C1708349, MONDO:0007648, OMIM 137215.

Allele frequency attached by ClinVar (database versions not stated): gnomAD 0.00001.
gnomAD v4.1: 1 of 1,614,024 alleles (0.000062%); highest among the groups gnomAD compares: Admixed American, 0.0017%; no homozygotes.

Submissions (4):

Labcorp Genetics (formerly Invitae), Labcorp
Classification: Likely benign for Hereditary diffuse gastric adenocarcinoma. Last evaluated: 2025-10-13. Review status: criteria provided, single submitter. Criteria: Invitae Variant Classification Sherloc (09022015). Collection method: clinical testing. Allele origin: germline.

Myriad Genetics, Inc.
Classification: Benign for Hereditary diffuse gastric adenocarcinoma. Last evaluated: 2024-09-17. Review status: criteria provided, single submitter. Criteria: Myriad Autosomal Dominant, Autosomal Recessive and X-Linked Classification Criteria (2023). Collection method: clinical testing. Allele origin: unknown.
Comment: This variant is considered benign. This variant is a silent/synonymous amino acid change and it is not expected to impact splicing.

Color Diagnostics, LLC DBA Color Health
Classification: Likely benign for Hereditary cancer-predisposing syndrome. Last evaluated: 2019-01-28. Review status: criteria provided, single submitter. Criteria: ACMG Guidelines, 2015. Collection method: clinical testing. Allele origin: germline.

Ambry Genetics
Classification: Likely benign for Hereditary cancer-predisposing syndrome. Last evaluated: 2015-04-02. Review status: criteria provided, single submitter. Criteria: Ambry Variant Classification Scheme 2023. Collection method: clinical testing. Allele origin: germline.

NM_004360.5(CDH1):c.939C>T (p.Asp313=)

Gene: CDH1 (cadherin 1; plus strand). Cytogenetic location: 16q22.1.
Variant type: single nucleotide variant.
Coding change: c.939C>T on transcript NM_004360.5 (MANE Select); coding-DNA position 939, C replaced by T.
Protein change: p.Asp313=; no amino-acid change (aspartic acid 313 retained).
Molecular consequence: synonymous variant. On other transcripts: 5 prime UTR variant (2).
Genome position (GRCh38, 1-based): chr16:68,811,790, C>T. VCF-style: chr16-68811790-C-T. GRCh37 (hg19) VCF-style: chr16-68845693-C-T.
Other names: c.939C>T (LRG_301t1); c.939C>T, p.Asp313= (NM_001317184.2); c.-677C>T (NM_001317185.2); c.-881C>T (NM_001317186.2).
Identifiers: ClinVar variation 414057 (VCV000414057.14), dbSNP rs955528859, ClinGen allele CA16614965.